The following is an entry in ClinVar:

NM_003002.4(SDHD):c.269C>G (p.Ala90Gly)

Gene: SDHD (succinate dehydrogenase complex subunit D; plus strand). Cytogenetic location: 11q23.1.
Variant type: single nucleotide variant.
Coding change: c.269C>G on transcript NM_003002.4 (MANE Select); coding-DNA position 269, C replaced by G.
Protein change: p.Ala90Gly; replaces alanine 90 with glycine.
Molecular consequence: missense variant. On other transcripts: non-coding transcript variant (1), intron variant (1).
Genome position (GRCh38, 1-based): chr11:112,088,966, C>G. VCF-style: chr11-112088966-C-G. GRCh37 (hg19) VCF-style: chr11-111959690-C-G.
Other names: c.152C>G, p.Ala51Gly (NM_001276504.2); c.269C>G, p.Ala90Gly (NM_001276506.2); c.169+993C>G (NM_001276503.2); short protein forms A90G, A51G.
Identifiers: ClinVar variation 2561210 (VCV002561210.5), dbSNP rs200255724, ClinGen allele CA382617349.

ClinVar aggregate classification (germline): Uncertain significance. Review status: criteria provided, multiple submitters, no conflicts (2 of 4 stars). 2 submissions from 2 submitters: Uncertain significance (2). Last evaluated 2023-11-20.

Conditions:
Hereditary cancer-predisposing syndrome. Also called: Neoplastic Syndromes, Hereditary; Hereditary Cancer Syndrome; Hereditary neoplastic syndrome; Tumor predisposition. Identifiers: Orphanet 140162, MedGen C0027672, MeSH D009386, MONDO:0015356.
Pheochromocytoma. Also called: MAX-Related Hereditary Paraganglioma-Pheochromocytoma Syndrome. Identifiers: Orphanet 29072, MedGen C0031511, MONDO:0008233, OMIM 171300, HP:0002666.
Carney-Stratakis syndrome. Also called: PARAGANGLIOMA AND GASTROINTESTINAL STROMAL TUMOR. Identifiers: Orphanet 97286, MedGen C1847319, MONDO:0011740, OMIM 606864.
Paragangliomas with sensorineural hearing loss. Identifiers: MedGen C1868633.
Cowden syndrome 3 (CWS3). Identifiers: Orphanet 201, MedGen CN166604, MONDO:0014045.

Submissions (2):

Labcorp Genetics (formerly Invitae), Labcorp
Classification: Uncertain significance for Carney-Stratakis syndrome; Paragangliomas with sensorineural hearing loss; Pheochromocytoma; Cowden syndrome 3. Last evaluated: 2023-11-20. Review status: criteria provided, single submitter. Criteria: Invitae Variant Classification Sherloc (09022015). Collection method: clinical testing. Allele origin: germline.
Comment: This sequence change replaces alanine, which is neutral and non-polar, with glycine, which is neutral and non-polar, at codon 90 of the SDHD protein (p.Ala90Gly). This variant is not present in population databases (gnomAD no frequency). This variant has not been reported in the literature in individuals affected with SDHD-related conditions. ClinVar contains an entry for this variant (Variation ID: 2561210). Advanced modeling of protein sequence and biophysical properties (such as structural, functional, and spatial information, amino acid conservation, physicochemical variation, residue mobility, and thermodynamic stability) has been performed at Invitae for this missense variant, however the output from this modeling did not meet the statistical confidence thresholds required to predict the impact of this variant on SDHD protein function. In summary, the available evidence is currently insufficient to determine the role of this variant in disease. Therefore, it has been classified as a Variant of Uncertain Significance.

Ambry Genetics
Classification: Uncertain significance for Hereditary cancer-predisposing syndrome. Last evaluated: 2023-06-12. Review status: criteria provided, single submitter. Criteria: Ambry Variant Classification Scheme 2023. Collection method: clinical testing. Allele origin: germline.
Comment: The p.A90G variant (also known as c.269C>G), located in coding exon 3 of the SDHD gene, results from a C to G substitution at nucleotide position 269. The alanine at codon 90 is replaced by glycine, an amino acid with similar properties. This amino acid position is conserved. In addition, the in silico prediction for this alteration is inconclusive. Since supporting evidence is limited at this time, the clinical significance of this alteration remains unclear.